The following is an entry in ClinVar:

ClinVar aggregate classification (germline): Uncertain significance (1 of 4 stars; one submission).

Conditions:
Cone-rod dystrophy 6 (CORD6). Also called: RETINAL CONE DYSTROPHY 2; Cone dystrophy progressive. Identifiers: Orphanet 1872, MedGen C1866293, MONDO:0011143, OMIM 601777.
Leber congenital amaurosis 1 (LCA1). Also called: AMAUROSIS CONGENITA OF LEBER I; RETINAL BLINDNESS, CONGENITAL; Congenital absence of the rods and cones; Leber's congenital tapetoretinal degeneration; Leber's congenital tapetoretinal dysplasia. Identifiers: Orphanet 65, MedGen C2931258, MONDO:0008764, OMIM 204000.

Submission:

Labcorp Genetics (formerly Invitae), Labcorp
Classification: Uncertain significance for Leber congenital amaurosis 1; Cone-rod dystrophy 6. Last evaluated: 2023-02-07. Review status: criteria provided, single submitter. Criteria: Invitae Variant Classification Sherloc (09022015). Collection method: clinical testing. Allele origin: germline.
Comment: This sequence change replaces isoleucine, which is neutral and non-polar, with leucine, which is neutral and non-polar, at codon 654 of the GUCY2D protein (p.Ile654Leu). This variant is not present in population databases (gnomAD no frequency). This variant has not been reported in the literature in individuals affected with GUCY2D-related conditions. Advanced modeling of protein sequence and biophysical properties (such as structural, functional, and spatial information, amino acid conservation, physicochemical variation, residue mobility, and thermodynamic stability) performed at Invitae indicates that this missense variant is not expected to disrupt GUCY2D protein function. In summary, the available evidence is currently insufficient to determine the role of this variant in disease. Therefore, it has been classified as a Variant of Uncertain Significance.

NM_000180.4(GUCY2D):c.1960A>C (p.Ile654Leu)

Gene: GUCY2D (guanylate cyclase 2D, retinal; plus strand). Cytogenetic location: 17p13.1.
Variant type: single nucleotide variant.
Coding change: c.1960A>C on transcript NM_000180.4 (MANE Select); coding-DNA position 1960, A replaced by C.
Protein change: p.Ile654Leu; replaces isoleucine 654 with leucine.
Molecular consequence: missense variant.
Genome position (GRCh38, 1-based): chr17:8,012,453, A>C. VCF-style: chr17-8012453-A-C. GRCh37 (hg19) VCF-style: chr17-7915771-A-C.
Other names: short protein forms I654L.
Identifiers: ClinVar variation 2944016 (VCV002944016.3), dbSNP rs2545424224, ClinGen allele CA397952026.